The following is an entry in ClinVar:

ClinVar aggregate classification (germline): Uncertain significance (1 of 4 stars; one submission).

Submission:

GeneDx
Classification: Uncertain significance. Last evaluated: 2022-02-03. Review status: criteria provided, single submitter. Criteria: GeneDx Variant Classification Process June 2021. Collection method: clinical testing. Allele origin: germline. Affected: yes.
Comment: Not observed at significant frequency in large population cohorts (gnomAD); In silico analysis supports that this missense variant has a deleterious effect on protein structure/function; Has not been previously published as pathogenic or benign to our knowledge

NM_153252.5(BRWD3):c.513G>C (p.Lys171Asn)

Gene: BRWD3 (bromodomain and WD repeat domain containing 3; minus strand). Cytogenetic location: Xq21.1.
Variant type: single nucleotide variant.
Coding change: c.513G>C on transcript NM_153252.5 (MANE Select); coding-DNA position 513, G replaced by C.
Protein change: p.Lys171Asn; replaces lysine 171 with asparagine.
Molecular consequence: missense variant.
Genome position (GRCh38, 1-based): chrX:80,745,647, C>G on the plus strand (G>C on the coding strand, the complement: BRWD3 is on the minus strand). VCF-style: chrX-80745647-C-G. GRCh37 (hg19) VCF-style: chrX-80001146-C-G.
Other names: short protein forms K171N.
Identifiers: ClinVar variation 1700272 (VCV001700272.2), dbSNP rs2147792242, ClinGen allele CA413607534.
Genomic context (GRCh38, chrX:80,745,647, plus strand): 5'-GCTTCGGTCAAATGCTACACAGTAGACAGATGACAAGTGCCCCAGAATTCTCTTATGCAT[C>G]TTAATGTGCTGGTAAGCAGATGAAGGGAAAATATGACCAAAGCGACTACAGCCGGTTAAT-3'
Protein context (NP_694984.5, residues 161-181): IFPSSAYQHI[Lys171Asn]MHKRILGHLS